The following is an entry in ClinVar:

ClinVar aggregate classification (germline): Uncertain significance (1 of 4 stars; one submission).

Conditions:
Cardiac arrhythmia. Also called: Arrhythmia; Cardiac rhythm disease. Identifiers: MedGen C0003811, MONDO:0007263, HP:0011675.

Submission:

Labcorp Genetics (formerly Invitae), Labcorp
Classification: Uncertain significance for Cardiac arrhythmia. Last evaluated: 2023-06-15. Review status: criteria provided, single submitter. Criteria: Invitae Variant Classification Sherloc (09022015). Collection method: clinical testing. Allele origin: germline.
Comment: This sequence change replaces alanine, which is neutral and non-polar, with aspartic acid, which is acidic and polar, at codon 56 of the RANGRF protein (p.Ala56Asp). This variant is not present in population databases (gnomAD no frequency). This variant has not been reported in the literature in individuals affected with RANGRF-related conditions. An algorithm developed to predict the effect of missense changes on protein structure and function (PolyPhen-2) suggests that this variant is likely to be disruptive. In summary, the available evidence is currently insufficient to determine the role of this variant in disease. Therefore, it has been classified as a Variant of Uncertain Significance.

NM_016492.5(RANGRF):c.167C>A (p.Ala56Asp)

Genes: RANGRF (RAN guanine nucleotide release factor; plus strand), SLC25A35 (solute carrier family 25 member 35; minus strand). Cytogenetic location: 17p13.1.
Variant type: single nucleotide variant.
Coding change: c.167C>A on transcript NM_016492.5 (MANE Select); coding-DNA position 167, C replaced by A.
Protein change: p.Ala56Asp; replaces alanine 56 with aspartic acid.
Molecular consequence: missense variant. On other transcripts: 3 prime UTR variant (2), non-coding transcript variant (2), intron variant (1).
Genome position (GRCh38, 1-based): chr17:8,289,045, C>A. VCF-style: chr17-8289045-C-A. GRCh37 (hg19) VCF-style: chr17-8192363-C-A.
Other names: c.167C>A, p.Ala56Asp (NM_001177801.2, NM_001177802.2, NM_001330127.2); c.*438G>T (NM_001320872.2); c.*571G>T (NM_201520.3); c.*42+529G>T (NM_001320871.2); short protein forms A56D.
Identifiers: ClinVar variation 2808825 (VCV002808825.3), dbSNP rs2543865773, ClinGen allele CA397994353.